The following is an entry in ClinVar:

NM_000142.5(FGFR3):c.1102G>A (p.Glu368Lys)

Gene: FGFR3 (fibroblast growth factor receptor 3; plus strand). Cytogenetic location: 4p16.3.
Variant type: single nucleotide variant.
Coding change: c.1102G>A on transcript NM_000142.5 (MANE Select); coding-DNA position 1102, G replaced by A.
Protein change: p.Glu368Lys; replaces glutamic acid 368 with lysine.
Molecular consequence: missense variant. On other transcripts: non-coding transcript variant (1), intron variant (1).
Genome position (GRCh38, 1-based): chr4:1,804,356, G>A. VCF-style: chr4-1804356-G-A. GRCh37 (hg19) VCF-style: chr4-1806083-G-A.
Other names: c.1108G>A, p.Glu370Lys (NM_001163213.2); c.1102G>A, p.Glu368Lys (NM_001354809.2, NM_001354810.2); c.931-468G>A (NM_022965.4); short protein forms E368K, E370K.
Identifiers: ClinVar variation 1680060 (VCV001680060.8), dbSNP rs201136923, ClinGen allele CA2810260.
Genomic context (GRCh38, chr4:1,804,356, plus strand): 5'-GCCAGGCCAGGCCTCAACGCCCATGTCTTTGCAGCCGAGGAGGAGCTGGTGGAGGCTGAC[G>A]AGGCGGGCAGTGTGTATGCAGGCATCCTCAGCTACGGGGTGGGCTTCTTCCTGTTCATCC-3'
Protein context (NP_000133.1, residues 358-378): PAEEELVEAD[Glu368Lys]AGSVYAGILS

ClinVar aggregate classification (germline): Uncertain significance (1 of 4 stars; one submission).

Allele frequency attached by ClinVar (database versions not stated): gnomAD exomes 0.00002 and 0.00012; ExAC 0.00003; gnomAD 0.00005; TOPMed 0.00006; 1000 Genomes Project 30x 0.00016; 1000 Genomes Project 0.00020.
gnomAD v4.1: 174 of 1,611,102 alleles (0.011%); highest among the groups gnomAD compares: Non-Finnish European, 0.014%; no homozygotes.

Submission:

Labcorp Genetics (formerly Invitae), Labcorp
Classification: Uncertain significance. Last evaluated: 2025-11-10. Review status: criteria provided, single submitter. Criteria: Invitae Variant Classification Sherloc (09022015). Collection method: clinical testing. Allele origin: germline.
Comment: This sequence change replaces glutamic acid, which is acidic and polar, with lysine, which is basic and polar, at codon 368 of the FGFR3 protein (p.Glu368Lys). The frequency data for this variant in the population databases is considered unreliable, as metrics indicate poor data quality at this position in the gnomAD database. This variant has not been reported in the literature in individuals affected with FGFR3-related conditions. ClinVar contains an entry for this variant (Variation ID: 1680060). Invitae Evidence Modeling of protein sequence and biophysical properties (such as structural, functional, and spatial information, amino acid conservation, physicochemical variation, residue mobility, and thermodynamic stability) indicates that this missense variant is not expected to disrupt FGFR3 protein function with a negative predictive value of 95%. In summary, the available evidence is currently insufficient to determine the role of this variant in disease. Therefore, it has been classified as a Variant of Uncertain Significance.